The following is an entry in ClinVar:

ClinVar aggregate classification (germline): Uncertain significance (1 of 4 stars; one submission).

Conditions:
Hereditary cancer-predisposing syndrome. Also called: Hereditary neoplastic syndrome; Neoplastic Syndromes, Hereditary; Tumor predisposition; Hereditary Cancer Syndrome. Identifiers: Orphanet 140162, MedGen C0027672, MeSH D009386, MONDO:0015356.

Allele frequency attached by ClinVar (database versions not stated): gnomAD exomes below 0.00001.
gnomAD v4.1: 2 of 1,613,920 alleles (0.00012%); highest among the groups gnomAD compares: South Asian, 0.0011%; no homozygotes.

Submission:

Ambry Genetics
Classification: Uncertain significance for Hereditary cancer-predisposing syndrome. Last evaluated: 2021-04-27. Review status: criteria provided, single submitter. Criteria: Ambry Variant Classification Scheme 2023. Collection method: clinical testing. Allele origin: germline.
Comment: The p.A2321V variant (also known as c.6962C>T), located in coding exon 46 of the ATM gene, results from a C to T substitution at nucleotide position 6962. The alanine at codon 2321 is replaced by valine, an amino acid with similar properties. This amino acid position is poorly conserved in available vertebrate species. In addition, this alteration is predicted to be tolerated by in silico analysis. Since supporting evidence is limited at this time, the clinical significance of this alteration remains unclear.

NM_000051.4(ATM):c.6962C>T (p.Ala2321Val)

Genes: ATM (ATM serine/threonine kinase; plus strand), C11orf65 (chromosome 11 open reading frame 65; minus strand). Cytogenetic location: 11q22.3.
Variant type: single nucleotide variant.
Coding change: c.6962C>T on transcript NM_000051.4 (MANE Select); coding-DNA position 6962, C replaced by T.
Protein change: p.Ala2321Val; replaces alanine 2321 with valine.
Molecular consequence: missense variant. On other transcripts: intron variant (2).
Genome position (GRCh38, 1-based): chr11:108,326,212, C>T. VCF-style: chr11-108326212-C-T. GRCh37 (hg19) VCF-style: chr11-108196939-C-T.
Other names: c.6962C>T, p.Ala2321Val (NM_001351834.2); c.641-17141G>A (NM_001330368.2); c.*38+9008G>A (NM_001351110.2); short protein forms A2321V.
Identifiers: ClinVar variation 1756336 (VCV001756336.2), dbSNP rs1383763069, ClinGen allele CA382557396.